The following is an entry in ClinVar:

ClinVar aggregate classification (germline): Uncertain significance (1 of 4 stars; one submission).

Allele frequency attached by ClinVar (database versions not stated): gnomAD exomes 0.00001 and 0.00002; TOPMed 0.00001; ExAC 0.00002; gnomAD 0.00002.
gnomAD v4.1: 27 of 1,613,702 alleles (0.0017%); highest among the groups gnomAD compares: East Asian, 0.011%; no homozygotes.

Submission:

GeneDx
Classification: Uncertain significance. Last evaluated: 2022-02-01. Review status: criteria provided, single submitter. Criteria: GeneDx Variant Classification Process June 2021. Collection method: clinical testing. Allele origin: germline. Affected: yes.
Comment: Not observed at significant frequency in large population cohorts (gnomAD); In silico analysis supports that this missense variant has a deleterious effect on protein structure/function; Has not been previously published as pathogenic or benign to our knowledge

NM_033305.3(VPS13A):c.7868G>A (p.Arg2623Gln)

Gene: VPS13A (vacuolar protein sorting 13 homolog A; plus strand). Cytogenetic location: 9q21.2.
Variant type: single nucleotide variant.
Coding change: c.7868G>A on transcript NM_033305.3 (MANE Select); coding-DNA position 7868, G replaced by A.
Protein change: p.Arg2623Gln; replaces arginine 2623 with glutamine.
Molecular consequence: missense variant.
Genome position (GRCh38, 1-based): chr9:77,357,753, G>A. VCF-style: chr9-77357753-G-A. GRCh37 (hg19) VCF-style: chr9-79972669-G-A.
Other names: c.7751G>A, p.Arg2584Gln (NM_001018037.2); c.7868G>A, p.Arg2623Gln (NM_001018038.3, NM_015186.4); short protein forms R2584Q, R2623Q.
Identifiers: ClinVar variation 1699645 (VCV001699645.2), dbSNP rs765235573, ClinGen allele CA5093464.